The following is an entry in ClinVar:

ClinVar aggregate classification (germline): Uncertain significance (1 of 4 stars; one submission).

Allele frequency attached by ClinVar (database versions not stated): ExAC 0.00025; gnomAD exomes 0.00020.
gnomAD v4.1: 392 of 1,613,874 alleles (0.024%); highest among the groups gnomAD compares: Non-Finnish European, 0.029%; no homozygotes.

Submission:

Genetic Services Laboratory, University of Chicago
Classification: Uncertain significance. Last evaluated: 2025-03-27. Review status: criteria provided, single submitter. Criteria: ACMG Guidelines, 2015. Collection method: clinical testing. Allele origin: germline.
Comment: DNA sequence analysis of the RBBP6 gene demonstrated a sequence change, c.1783G>A, in exon 15 that results in an amino acid change, p.Ala595Thr. This sequence change does not appear to have been previously described in individuals with RBBP6-related. This sequence change has been described in the gnomAD database with a frequency of 0.046% in the European (non-Finnish) subpopulation (dbSNP rs199538396). The p.Ala595Thr change affects a highly conserved amino acid residue located in a domain of the RBBP6 protein that is not known to be functional. In-silico pathogenicity prediction tools (SIFT, PolyPhen2, Align GVGD, REVEL) provide contradictory results for the p.Ala595Thr substitution. Due to insufficient evidences and the lack of functional studies, the clinical significance of the p.Ala595Thr change remains unknown at this time.

NM_006910.5(RBBP6):c.1783G>A (p.Ala595Thr)

Gene: RBBP6 (RB binding protein 6, ubiquitin ligase; plus strand). Cytogenetic location: 16p12.1.
Variant type: single nucleotide variant.
Coding change: c.1783G>A on transcript NM_006910.5 (MANE Select); coding-DNA position 1783, G replaced by A.
Protein change: p.Ala595Thr; replaces alanine 595 with threonine.
Molecular consequence: missense variant.
Genome position (GRCh38, 1-based): chr16:24,567,336, G>A. VCF-style: chr16-24567336-G-A. GRCh37 (hg19) VCF-style: chr16-24578657-G-A.
Other names: c.1783G>A, p.Ala595Thr (NM_018703.4); short protein forms A595T.
Identifiers: ClinVar variation 1336061 (VCV001336061.5), dbSNP rs199538396, ClinGen allele CA7967465.